The following is an entry in ClinVar:

ClinVar aggregate classification (germline): Uncertain significance (1 of 4 stars; one submission).

Conditions:
Asphyxiating thoracic dystrophy 5 (SRTD5). Also called: SHORT-RIB THORACIC DYSPLASIA 5 WITH OR WITHOUT POLYDACTYLY; SHORT-RIB THORACIC DYSPLASIA 5 WITHOUT POLYDACTYLY. Identifiers: Orphanet 474, MedGen C3280598, MONDO:0013717, OMIM 614376.
Senior-Loken syndrome 8 (SLSN8). Identifiers: Orphanet 3156, MedGen C4225376, MONDO:0014579, OMIM 616307.

Submission:

Labcorp Genetics (formerly Invitae), Labcorp
Classification: Uncertain significance for Senior-Loken syndrome 8; Asphyxiating thoracic dystrophy 5. Last evaluated: 2018-08-29. Review status: criteria provided, single submitter. Criteria: Invitae Variant Classification Sherloc (09022015). Collection method: clinical testing. Allele origin: germline.
Comment: In summary, the available evidence is currently insufficient to determine the role of this variant in disease. Therefore, it has been classified as a Variant of Uncertain Significance. Algorithms developed to predict the effect of missense changes on protein structure and function (SIFT, PolyPhen-2, Align-GVGD) all suggest that this variant is likely to be tolerated, but these predictions have not been confirmed by published functional studies and their clinical significance is uncertain. This variant has not been reported in the literature in individuals with WDR19-related disease. This variant is not present in population databases (ExAC no frequency). This sequence change replaces alanine with serine at codon 1054 of the WDR19 protein (p.Ala1054Ser). The alanine residue is highly conserved and there is a moderate physicochemical difference between alanine and serine.

NM_025132.4(WDR19):c.3160G>T (p.Ala1054Ser)

Gene: WDR19 (WD repeat domain 19; plus strand). Cytogenetic location: 4p14.
Variant type: single nucleotide variant.
Coding change: c.3160G>T on transcript NM_025132.4 (MANE Select); coding-DNA position 3160, G replaced by T.
Protein change: p.Ala1054Ser; replaces alanine 1054 with serine.
Molecular consequence: missense variant.
Genome position (GRCh38, 1-based): chr4:39,257,531, G>T. VCF-style: chr4-39257531-G-T. GRCh37 (hg19) VCF-style: chr4-39259151-G-T.
Other names: c.2680G>T, p.Ala894Ser (NM_001317924.2); short protein forms A894S, A1054S.
Identifiers: ClinVar variation 646892 (VCV000646892.8), dbSNP rs756862143, ClinGen allele CA356643597.